The following is an entry in ClinVar:

NM_020699.4(GATAD2B):c.1010C>T (p.Pro337Leu)

Gene: GATAD2B (GATA zinc finger domain containing 2B; minus strand). Cytogenetic location: 1q21.3.
Variant type: single nucleotide variant.
Coding change: c.1010C>T on transcript NM_020699.4 (MANE Select); coding-DNA position 1010, C replaced by T.
Protein change: p.Pro337Leu; replaces proline 337 with leucine.
Molecular consequence: missense variant.
Genome position (GRCh38, 1-based): chr1:153,816,479, G>A on the plus strand (C>T on the coding strand, the complement: GATAD2B is on the minus strand). VCF-style: chr1-153816479-G-A. GRCh37 (hg19) VCF-style: chr1-153788955-G-A.
Other names: short protein forms P337L.
Identifiers: ClinVar variation 2769033 (VCV002769033.3), dbSNP rs753284491, ClinGen allele CA1120712.

ClinVar aggregate classification (germline): Uncertain significance (1 of 4 stars; one submission).

Allele frequency attached by ClinVar (database versions not stated): ExAC 0.00002.
gnomAD v4.1: 4 of 1,614,058 alleles (0.00025%); highest among the groups gnomAD compares: East Asian, 0.0067%; no homozygotes.

Submission:

Labcorp Genetics (formerly Invitae), Labcorp
Classification: Uncertain significance. Last evaluated: 2024-03-15. Review status: criteria provided, single submitter. Criteria: Invitae Variant Classification Sherloc (09022015). Collection method: clinical testing. Allele origin: germline.
Comment: This sequence change replaces proline, which is neutral and non-polar, with leucine, which is neutral and non-polar, at codon 337 of the GATAD2B protein (p.Pro337Leu). This variant is present in population databases (rs753284491, gnomAD 0.02%). This variant has not been reported in the literature in individuals affected with GATAD2B-related conditions. Advanced modeling of protein sequence and biophysical properties (such as structural, functional, and spatial information, amino acid conservation, physicochemical variation, residue mobility, and thermodynamic stability) performed at Invitae indicates that this missense variant is not expected to disrupt GATAD2B protein function with a negative predictive value of 80%. In summary, the available evidence is currently insufficient to determine the role of this variant in disease. Therefore, it has been classified as a Variant of Uncertain Significance.